The following is an entry in ClinVar:

ClinVar aggregate classification (germline): Uncertain significance (1 of 4 stars; one submission).

Conditions:
Inborn genetic diseases. Identifiers: MedGen C0950123, MeSH D030342.

Submission:

Ambry Genetics
Classification: Uncertain significance for Inborn genetic diseases. Last evaluated: 2025-12-17. Review status: criteria provided, single submitter. Criteria: Ambry Variant Classification Scheme 2023. Collection method: clinical testing. Allele origin: germline.
Comment: The c.1346C>G (p.T449R) alteration is located in exon 2 (coding exon 2) of the FZD4 gene. This alteration results from a C to G substitution at nucleotide position 1346, causing the threonine (T) at amino acid position 449 to be replaced by an arginine (R). This variant was not reported in population-based cohorts in the Genome Aggregation Database (gnomAD). This amino acid position is well conserved in available vertebrate species. This alteration is predicted to be deleterious by in silico analysis. Based on insufficient or conflicting evidence, the clinical significance of this alteration remains unclear.

NM_012193.4(FZD4):c.1346C>G (p.Thr449Arg)

Genes: FZD4 (frizzled class receptor 4; minus strand), PRSS23 (serine protease 23; plus strand). Cytogenetic location: 11q14.2.
Variant type: single nucleotide variant.
Coding change: c.1346C>G on transcript NM_012193.4 (MANE Select); coding-DNA position 1346, C replaced by G.
Protein change: p.Thr449Arg; replaces threonine 449 with arginine.
Molecular consequence: missense variant. On other transcripts: non-coding transcript variant (2).
Genome position (GRCh38, 1-based): chr11:86,951,410, G>C on the plus strand (C>G on the coding strand, the complement: FZD4 is on the minus strand). VCF-style: chr11-86951410-G-C. GRCh37 (hg19) VCF-style: chr11-86662452-G-C.
Other names: short protein forms T449R.
Identifiers: ClinVar variation 4620458 (VCV004620458.2).